The following is an entry in ClinVar:

NM_194248.3(OTOF):c.3409-2A>G

Gene: OTOF (otoferlin; minus strand). Cytogenetic location: 2p23.3.
Variant type: single nucleotide variant.
Coding change: c.3409-2A>G on transcript NM_194248.3 (MANE Select); the canonical splice acceptor site of the intron before coding-DNA position 3409, A replaced by G.
Molecular consequence: splice acceptor variant.
Genome position (GRCh38, 1-based): chr2:26,473,569, T>C on the plus strand (A>G on the coding strand, the complement: OTOF is on the minus strand). VCF-style: chr2-26473569-T-C. GRCh37 (hg19) VCF-style: chr2-26696437-T-C.
Other names: c.3409-2A>G (NM_001287489.2); c.1168-2A>G (NM_194323.3, NM_004802.4); c.1339-2A>G (NM_194322.3).
Identifiers: ClinVar variation 3601517 (VCV003601517.1).

ClinVar aggregate classification (germline): Likely pathogenic (1 of 4 stars; one submission).

Conditions:
Autosomal recessive nonsyndromic hearing loss 9. Also called: NEUROSENSORY NONSYNDROMIC RECESSIVE DEAFNESS 9; OTOF-Related Hearing Loss; Deafness, autosomal recessive 9; AUDITORY NEUROPATHY, AUTOSOMAL RECESSIVE, 1, TEMPERATURE-SENSITIVE. Identifiers: Orphanet 90636, MedGen C1832828, MONDO:0010986, OMIM 601071.

Submission:

Institute of Rare Diseases, West China Hospital, Sichuan University
Classification: Likely pathogenic for Autosomal recessive nonsyndromic hearing loss 9. Last evaluated: 2025-01-09. Review status: criteria provided, single submitter. Criteria: ClinGen HL ACMG Specifications v1. Collection method: research. Allele origin: germline. Affected: yes.
Comment: PVS1;PM2_Supporting